The following is an entry in ClinVar:

NM_001256789.3(CACNA1F):c.4963G>A (p.Val1655Ile)

Gene: CACNA1F (calcium voltage-gated channel subunit alpha1 F; minus strand). Cytogenetic location: Xp11.23.
Variant type: single nucleotide variant.
Coding change: c.4963G>A on transcript NM_001256789.3 (MANE Select); coding-DNA position 4963, G replaced by A.
Protein change: p.Val1655Ile; replaces valine 1655 with isoleucine.
Molecular consequence: missense variant.
Genome position (GRCh38, 1-based): chrX:49,208,675, C>T on the plus strand (G>A on the coding strand, the complement: CACNA1F is on the minus strand). VCF-style: chrX-49208675-C-T. GRCh37 (hg19) VCF-style: chrX-49065135-C-T.
Other names: c.4801G>A, p.Val1601Ile (NM_001256790.3); c.4996G>A, p.Val1666Ile (NM_005183.4); short protein forms V1601I, V1666I, V1655I.
Identifiers: ClinVar variation 1406470 (VCV001406470.6), dbSNP rs782096862, ClinGen allele CA10410062.

ClinVar aggregate classification (germline): Uncertain significance (1 of 4 stars; one submission).

Allele frequency attached by ClinVar (database versions not stated): TOPMed below 0.00001; gnomAD 0.00001; gnomAD exomes 0.00001.

Submission:

Labcorp Genetics (formerly Invitae), Labcorp
Classification: Uncertain significance. Last evaluated: 2021-09-18. Review status: criteria provided, single submitter. Criteria: Invitae Variant Classification Sherloc (09022015). Collection method: clinical testing. Allele origin: germline.
Comment: This sequence change replaces valine with isoleucine at codon 1666 of the CACNA1F protein (p.Val1666Ile). The valine residue is weakly conserved and there is a small physicochemical difference between valine and isoleucine. The frequency data for this variant in the population databases is considered unreliable, as metrics indicate poor data quality at this position in the ExAC database. This variant has not been reported in the literature in individuals affected with CACNA1F-related conditions. Algorithms developed to predict the effect of missense changes on protein structure and function (SIFT, PolyPhen-2, Align-GVGD) all suggest that this variant is likely to be tolerated. In summary, the available evidence is currently insufficient to determine the role of this variant in disease. Therefore, it has been classified as a Variant of Uncertain Significance.